The following is an entry in ClinVar:

NM_205836.3(FBXO38):c.1226A>G (p.Asn409Ser)

Gene: FBXO38 (F-box protein 38; plus strand). Cytogenetic location: 5q32.
Variant type: single nucleotide variant.
Coding change: c.1226A>G on transcript NM_205836.3 (MANE Select); coding-DNA position 1226, A replaced by G.
Protein change: p.Asn409Ser; replaces asparagine 409 with serine.
Molecular consequence: missense variant.
Genome position (GRCh38, 1-based): chr5:148,414,268, A>G. VCF-style: chr5-148414268-A-G. GRCh37 (hg19) VCF-style: chr5-147793831-A-G.
Other names: c.1226A>G, p.Asn409Ser (NM_001271723.2, NM_030793.5); short protein forms N409S.
Identifiers: ClinVar variation 3704116 (VCV003704116.2).
Genomic context (GRCh38, chr5:148,414,268, plus strand): 5'-ATATAGGGATGAAAGCAGTCAATGAAGTTTTTTCCTGTATCAAATATCTGGCAATTTACA[A>G]TTGCCCTCATCTACACAACCCATACAATTGGATCTCAGGTATTACAGACTTAAAAATACA-3'
Protein context (NP_995308.1, residues 399-419): FSCIKYLAIY[Asn409Ser]CPHLHNPYNW

ClinVar aggregate classification (germline): Uncertain significance (1 of 4 stars; one submission).

Conditions:
Distal hereditary motor neuropathy type 2. Identifiers: Orphanet 139525, MedGen C3711384, MeSH C580044, MONDO:0015352.

gnomAD v4.1: 1 of 1,611,774 alleles (0.000062%); highest among the groups gnomAD compares: Non-Finnish European, 0.000085%; no homozygotes.

Submission:

Labcorp Genetics (formerly Invitae), Labcorp
Classification: Uncertain significance for Distal hereditary motor neuropathy type 2. Last evaluated: 2024-10-15. Review status: criteria provided, single submitter. Criteria: Invitae Variant Classification Sherloc (09022015). Collection method: clinical testing. Allele origin: germline.
Comment: This sequence change replaces asparagine, which is neutral and polar, with serine, which is neutral and polar, at codon 409 of the FBXO38 protein (p.Asn409Ser). This variant is present in population databases (no rsID available, gnomAD 0.007%). This variant has not been reported in the literature in individuals affected with FBXO38-related conditions. Invitae Evidence Modeling of protein sequence and biophysical properties (such as structural, functional, and spatial information, amino acid conservation, physicochemical variation, residue mobility, and thermodynamic stability) indicates that this missense variant is expected to disrupt FBXO38 protein function with a positive predictive value of 80%. In summary, the available evidence is currently insufficient to determine the role of this variant in disease. Therefore, it has been classified as a Variant of Uncertain Significance.